The following is an entry in ClinVar:

NM_002471.4(MYH6):c.212_213del (p.Val71fs)

Genes: MYH6 (myosin heavy chain 6; minus strand), LOC114827851 (VISTA enhancer hs2155; plus strand). Cytogenetic location: 14q11.2.
Variant type: Microsatellite.
Coding change: c.212_213del on transcript NM_002471.4 (MANE Select); coding-DNA positions 212 to 213, 2 bases deleted (TG; older notation c.212_213delTG).
Protein change: p.Val71fs; shifts the reading frame from valine 71.
Molecular consequence: frameshift variant.
Genome position (GRCh38, 1-based): chr14:23,405,759-23,405,760, CA deleted on the plus strand (TG on the coding strand, the reverse complement: MYH6 is on the minus strand); deleting any 2 consecutive bases within chr14:23,405,759-23,405,762 gives the same sequence; the c. name uses the placement nearest the transcript's 3' end. VCF-style (leftmost placement, unchanged base first): chr14-23405758-TCA-T. GRCh37 (hg19) VCF-style: chr14-23874967-TCA-T.
Other names: c.212_213delTG (NM_002471.3); short protein forms V71fs.
Identifiers: ClinVar variation 407153 (VCV000407153.8), dbSNP rs1060501429, ClinGen allele CA16614146.

ClinVar aggregate classification (germline): Uncertain significance (1 of 4 stars; one submission).

Conditions:
Hypertrophic cardiomyopathy 14. Identifiers: MedGen C2750467, MONDO:0013197, OMIM 613251.

Submission:

Labcorp Genetics (formerly Invitae), Labcorp
Classification: Uncertain significance for Hypertrophic cardiomyopathy 14. Last evaluated: 2016-07-15. Review status: criteria provided, single submitter. Criteria: Invitae Variant Classification Sherloc (09022015). Collection method: clinical testing. Allele origin: germline.
Comment: The current clinical and genetic evidence is not sufficient to establish whether loss-of-function variants in MYH6 cause disease. Therefore, this variant has been classified as a Variant of Uncertain Significance. This variant is not present in population databases (ExAC no frequency) and has not been reported in the literature in individuals with a MYH6-related disease. This sequence change deletes 2 nucleotides from exon 4 of the MYH6 mRNA (c.212_213delTG), causing a frameshift at codon 71. This creates a premature translational stop signal (p.Val71Glufs*17) and is expected to result in an absent or disrupted protein product.